The following is an entry in ClinVar:

ClinVar aggregate classification (germline): Uncertain significance (1 of 4 stars; one submission).

Allele frequency attached by ClinVar (database versions not stated): gnomAD exomes below 0.00001.

Submission:

Labcorp Genetics (formerly Invitae), Labcorp
Classification: Uncertain significance. Last evaluated: 2023-06-09. Review status: criteria provided, single submitter. Criteria: Invitae Variant Classification Sherloc (09022015). Collection method: clinical testing. Allele origin: germline.
Comment: This variant has not been reported in the literature in individuals affected with ANKZF1-related conditions. This variant is present in population databases (no rsID available, gnomAD 0.005%). This sequence change replaces threonine, which is neutral and polar, with isoleucine, which is neutral and non-polar, at codon 345 of the ANKZF1 protein (p.Thr345Ile). An algorithm developed to predict the effect of missense changes on protein structure and function (PolyPhen-2) suggests that this variant is likely to be disruptive. In summary, the available evidence is currently insufficient to determine the role of this variant in disease. Therefore, it has been classified as a Variant of Uncertain Significance.

NM_018089.3(ANKZF1):c.1034C>T (p.Thr345Ile)

Gene: ANKZF1 (ankyrin repeat and zinc finger peptidyl tRNA hydrolase 1; plus strand). Cytogenetic location: 2q35.
Variant type: single nucleotide variant.
Coding change: c.1034C>T on transcript NM_018089.3 (MANE Select); coding-DNA position 1034, C replaced by T.
Protein change: p.Thr345Ile; replaces threonine 345 with isoleucine.
Molecular consequence: missense variant.
Genome position (GRCh38, 1-based): chr2:219,233,929, C>T. VCF-style: chr2-219233929-C-T. GRCh37 (hg19) VCF-style: chr2-220098651-C-T.
Other names: c.1034C>T, p.Thr345Ile (NM_001042410.2); c.404C>T, p.Thr135Ile (NM_001282792.2); short protein forms T135I, T345I.
Identifiers: ClinVar variation 2775565 (VCV002775565.3), dbSNP rs1387752543, ClinGen allele CA350678239.